The following is an entry in ClinVar:

NM_030665.4(RAI1):c.1116C>T (p.Tyr372=)

Gene: RAI1 (retinoic acid induced 1; plus strand). Cytogenetic location: 17p11.2.
Variant type: single nucleotide variant.
Coding change: c.1116C>T on transcript NM_030665.4 (MANE Select); coding-DNA position 1116, C replaced by T.
Protein change: p.Tyr372=; no amino-acid change (tyrosine 372 retained).
Molecular consequence: synonymous variant.
Genome position (GRCh38, 1-based): chr17:17,794,064, C>T. VCF-style: chr17-17794064-C-T. GRCh37 (hg19) VCF-style: chr17-17697378-C-T.
Identifiers: ClinVar variation 1301254 (VCV001301254.30), dbSNP rs139936921, ClinGen allele CA8418271.

ClinVar aggregate classification (germline): Benign/Likely benign. Review status: criteria provided, multiple submitters, no conflicts (2 of 4 stars). 3 submissions from 3 submitters: Benign (1); Likely benign (2). Last evaluated 2025-09-02.

Allele frequency attached by ClinVar (database versions not stated): gnomAD exomes 0.00007 and 0.00012; TOPMed 0.00009; ExAC 0.00011; gnomAD 0.00011; ESP Exome Variant Server 0.00015.
gnomAD v4.1: 115 of 1,613,934 alleles (0.0071%); highest among the groups gnomAD compares: Non-Finnish European, 0.0053%; no homozygotes.

Submissions (3):

Labcorp Genetics (formerly Invitae), Labcorp
Classification: Benign. Last evaluated: 2025-09-02. Review status: criteria provided, single submitter. Criteria: Invitae Variant Classification Sherloc (09022015). Collection method: clinical testing. Allele origin: germline.

CeGaT Center for Human Genetics Tuebingen
Classification: Likely benign. Last evaluated: 2025-04-01. Review status: criteria provided, single submitter. Criteria: CeGaT Center For Human Genetics Tuebingen Variant Classification Criteria Version 2. Collection method: clinical testing. Allele origin: germline. Affected: yes. Observed: 2 variant alleles.
Comment: RAI1: BP4, BP7

GeneDx
Classification: Likely benign. Last evaluated: 2021-03-23. Review status: criteria provided, single submitter. Criteria: GeneDx Variant Classification Process June 2021. Collection method: clinical testing. Allele origin: germline. Affected: yes.